The following is an entry in ClinVar:

ClinVar aggregate classification (germline): Benign/Likely benign. Review status: criteria provided, multiple submitters, no conflicts (2 of 4 stars). 3 submissions from 3 submitters: Benign (2); Likely benign (1). Last evaluated 2024-10-23.

Allele frequency attached by ClinVar (database versions not stated): gnomAD exomes 0.00030 and 0.00079; ExAC 0.00100; ESP Exome Variant Server 0.00269; gnomAD 0.00280 and 0.00302; TOPMed 0.00300; 1000 Genomes Project 0.00319; 1000 Genomes Project 30x 0.00390.
gnomAD v4.1: 872 of 1,614,022 alleles (0.054%); highest among the groups gnomAD compares: African/African-American, 0.91%; 3 homozygotes.

Submissions (3):

Blueprint Genetics
Classification: Likely benign. Last evaluated: 2024-10-23. Review status: criteria provided, single submitter. Criteria: ACMG Guidelines, 2015. Collection method: clinical testing. Allele origin: germline.

GeneDx
Classification: Benign. Last evaluated: 2019-06-19. Review status: criteria provided, single submitter. Criteria: GeneDx Variant Classification Process June 2021. Collection method: clinical testing. Allele origin: germline. Affected: yes.

Laboratory for Molecular Medicine, Mass General Brigham Personalized Medicine
Classification: Benign. Last evaluated: 2012-03-26. Review status: criteria provided, single submitter. Criteria: LMM Criteria. Collection method: clinical testing. Allele origin: germline. Observed: 4 variant alleles.
Comment: *5C>T in the 3'UTR of CLRN1: This variant is not expected to have clinical signi ficance it has been identified in 0.9% (35/3738) of African American chromosomes in a broad population by the NHLBI Exome sequencing project (rs111398745).

NM_174878.3(CLRN1):c.*5C>T

Gene: CLRN1 (clarin 1; minus strand). Cytogenetic location: 3q25.1.
Variant type: single nucleotide variant.
Coding change: c.*5C>T on transcript NM_174878.3 (MANE Select); 5 bases downstream of the stop codon, C replaced by T.
Molecular consequence: 3 prime UTR variant. On other transcripts: non-coding transcript variant (1), intron variant (1).
Genome position (GRCh38, 1-based): chr3:150,927,931, G>A on the plus strand (C>T on the coding strand, the complement: CLRN1 is on the minus strand). VCF-style: chr3-150927931-G-A. GRCh37 (hg19) VCF-style: chr3-150645718-G-A.
Other names: c.*5C>T; c.*5C>T (NM_001195794.1); c.*318C>T (NM_001256819.2); c.342+134C>T (NM_052995.2).
Identifiers: ClinVar variation 48141 (VCV000048141.8), dbSNP rs111398745, ClinGen allele CA142674.